The following is an entry in ClinVar:

ClinVar aggregate classification (germline): Uncertain significance. Review status: criteria provided, multiple submitters, no conflicts (2 of 4 stars). 2 submissions from 2 submitters: Uncertain significance (2). Last evaluated 2022-05-25.

Conditions:
Saldino-Mainzer syndrome (SRTD9). Also called: CONORENAL SYNDROME; SHORT-RIB THORACIC DYSPLASIA 9 WITHOUT POLYDACTYLY; Renal dysplasia, retinal pigmentary dystrophy, cerebellar ataxia and skeletal dysplasia; short-rib thoracic dysplasia 9 with or without polydactyly. Identifiers: Orphanet 140969, MedGen C1849437, MONDO:0009964, OMIM 266920.

Allele frequency attached by ClinVar (database versions not stated): gnomAD exomes 0.00001.
gnomAD v4.1: 8 of 1,608,978 alleles (0.0005%); highest among the groups gnomAD compares: Admixed American, 0.0017%; no homozygotes.

Submissions (2):

Labcorp Genetics (formerly Invitae), Labcorp
Classification: Uncertain significance for Saldino-Mainzer syndrome. Last evaluated: 2022-05-25. Review status: criteria provided, single submitter. Criteria: Invitae Variant Classification Sherloc (09022015). Collection method: clinical testing. Allele origin: germline.
Comment: This sequence change replaces isoleucine, which is neutral and non-polar, with threonine, which is neutral and polar, at codon 305 of the IFT140 protein (p.Ile305Thr). In summary, the available evidence is currently insufficient to determine the role of this variant in disease. Therefore, it has been classified as a Variant of Uncertain Significance. Algorithms developed to predict the effect of missense changes on protein structure and function are either unavailable or do not agree on the potential impact of this missense change (SIFT: "Deleterious"; PolyPhen-2: "Benign"; Align-GVGD: "Class C0"). This variant has not been reported in the literature in individuals affected with IFT140-related conditions. This variant is not present in population databases (gnomAD no frequency).

Blueprint Genetics
Classification: Uncertain significance. Last evaluated: 2019-10-14. Review status: criteria provided, single submitter. Criteria: ACMG Guidelines, 2015. Collection method: clinical testing. Allele origin: germline.

NM_014714.4(IFT140):c.914T>C (p.Ile305Thr)

Genes: IFT140 (intraflagellar transport 140; minus strand), LOC105371046 (uncharacterized LOC105371046; plus strand). Cytogenetic location: 16p13.3.
Variant type: single nucleotide variant.
Coding change: c.914T>C on transcript NM_014714.4 (MANE Select); coding-DNA position 914, T replaced by C.
Protein change: p.Ile305Thr; replaces isoleucine 305 with threonine.
Molecular consequence: missense variant.
Genome position (GRCh38, 1-based): chr16:1,587,293, A>G on the plus strand (T>C on the coding strand, the complement: IFT140 is on the minus strand). VCF-style: chr16-1587293-A-G. GRCh37 (hg19) VCF-style: chr16-1637294-A-G.
Other names: short protein forms I305T.
Identifiers: ClinVar variation 1995480 (VCV001995480.5), dbSNP rs2507867973, ClinGen allele CA394217014.